The following is an entry in ClinVar:

NM_001080442.3(SLC38A8):c.697G>C (p.Glu233Gln)

Gene: SLC38A8 (solute carrier family 38 member 8; minus strand). Cytogenetic location: 16q23.3.
Variant type: single nucleotide variant.
Coding change: c.697G>C on transcript NM_001080442.3 (MANE Select); coding-DNA position 697, G replaced by C.
Protein change: p.Glu233Gln; replaces glutamic acid 233 with glutamine.
Molecular consequence: missense variant.
Genome position (GRCh38, 1-based): chr16:84,022,883, C>G on the plus strand (G>C on the coding strand, the complement: SLC38A8 is on the minus strand). VCF-style: chr16-84022883-C-G. GRCh37 (hg19) VCF-style: chr16-84056488-C-G.
Other names: short protein forms E233Q.
Identifiers: ClinVar variation 3339247 (VCV003339247.1).
Genomic context (GRCh38, chr16:84,022,883, plus strand): 5'-CCAGGGCCCAGTGGGAGAGGCTCCGTTTGCGCATGCTGCAGTAGATGGAGACGGCAGCTT[C>G]GTGACACTGTAAGACAGAGGGCGGCTCAGCAGGATGCTGGCTTCCCCTGGAACAGGCGAT-3'
Protein context (NP_001073911.1, residues 223-243): PTICFGFQCH[Glu233Gln]AAVSIYCSMR

ClinVar aggregate classification (germline): Uncertain significance (1 of 4 stars; one submission).

gnomAD v4.1: 1 of 1,602,146 alleles (0.000062%); highest among the groups gnomAD compares: Non-Finnish European, 0.000085%; no homozygotes.

Submission:

Women's Health and Genetics/Laboratory Corporation of America, LabCorp
Classification: Uncertain significance. Last evaluated: 2024-07-30. Review status: criteria provided, single submitter. Criteria: LabCorp Variant Classification Summary - May 2015. Collection method: clinical testing. Allele origin: germline.
Comment: Variant summary: SLC38A8 c.697G>C (p.Glu233Gln) results in a conservative amino acid change located in the Amino acid transporter, transmembrane domain (IPR013057) of the encoded protein sequence. Three of five in-silico tools predict a benign effect of the variant on protein function. The variant was absent in 234948 control chromosomes (gnomAD). The available data on variant occurrences in the general population are insufficient to allow any conclusion about variant significance. To our knowledge, no occurrence of c.697G>C in individuals affected with Foveal Hypoplasia, Optic Nerve Decussation Defect, Anterior Segment Dysgenesis Syndrome and no experimental evidence demonstrating its impact on protein function have been reported. A different variant affecting the same codon has been classified as pathogenic by our lab (c.697G>A, p.Glu233Lys), supporting the critical relevance of codon 233 to SLC38A8 protein function. No submitters have cited clinical-significance assessments for this variant to ClinVar. Based on the evidence outlined above, the variant was classified as VUS-possibly pathogenic.